The following is an entry in ClinVar:

ClinVar aggregate classification (germline): Benign. Review status: criteria provided, multiple submitters, no conflicts (2 of 4 stars). 3 submissions from 3 submitters: Benign (2). 1 of the submissions does not count toward it. Last evaluated 2019-12-31.

Conditions:
ESRP1-related disorder. Also called: ESRP1-related condition.

Allele frequency attached by ClinVar (database versions not stated): TOPMed 0.01989; 1000 Genomes Project 30x 0.02280; gnomAD exomes 0.00430 and 0.00161; ESP Exome Variant Server 0.01705; gnomAD 0.01746 and 0.01862; ExAC 0.00521; 1000 Genomes Project 0.02077.
gnomAD v4.1: 5,096 of 1,604,072 alleles (0.32%); highest among the groups gnomAD compares: African/African-American, 6%; 147 homozygotes.

Submissions (3):

Labcorp Genetics (formerly Invitae), Labcorp
Classification: Benign. Last evaluated: 2019-12-31. Review status: criteria provided, single submitter. Criteria: Invitae Variant Classification Sherloc (09022015). Collection method: clinical testing. Allele origin: germline.

Breakthrough Genomics
Classification: Benign. Review status: criteria provided, single submitter. Criteria: ACMG Guidelines, 2015. Collection method: not provided. Allele origin: germline. Inheritance: Autosomal recessive inheritance. Affected: yes.

PreventionGenetics, part of Exact Sciences
Classification: Benign for ESRP1-related condition. Last evaluated: 2019-07-30. Review status: no assertion criteria provided. Collection method: clinical testing. Allele origin: germline. Not counted in ClinVar's aggregate classification.
Comment: This variant is classified as benign based on ACMG/AMP sequence variant interpretation guidelines (Richards et al. 2015 PMID: 25741868, with internal and published modifications).

NM_017697.4(ESRP1):c.387A>G (p.Leu129=)

Gene: ESRP1 (epithelial splicing regulatory protein 1; plus strand). Cytogenetic location: 8q22.1.
Variant type: single nucleotide variant.
Coding change: c.387A>G on transcript NM_017697.4 (MANE Select); coding-DNA position 387, A replaced by G.
Protein change: p.Leu129=; no amino-acid change (leucine 129 retained).
Molecular consequence: synonymous variant.
Genome position (GRCh38, 1-based): chr8:94,646,179, A>G. VCF-style: chr8-94646179-A-G. GRCh37 (hg19) VCF-style: chr8-95658407-A-G.
Other names: c.387A>G, p.Leu129= (NM_001034915.3, NM_001122825.2, NM_001122826.2 and 1 more transcripts).
Identifiers: ClinVar variation 785258 (VCV000785258.7), dbSNP rs76736071, ClinGen allele CA4812006.